The following is an entry in ClinVar:

NM_004863.4(SPTLC2):c.1226C>A (p.Thr409Lys)

Gene: SPTLC2 (serine palmitoyltransferase long chain base subunit 2; minus strand). Cytogenetic location: 14q24.3.
Variant type: single nucleotide variant.
Coding change: c.1226C>A on transcript NM_004863.4 (MANE Select); coding-DNA position 1226, C replaced by A.
Protein change: p.Thr409Lys; replaces threonine 409 with lysine.
Molecular consequence: missense variant.
Genome position (GRCh38, 1-based): chr14:77,552,173, G>T on the plus strand (C>A on the coding strand, the complement: SPTLC2 is on the minus strand). VCF-style: chr14-77552173-G-T. GRCh37 (hg19) VCF-style: chr14-78018516-G-T.
Other names: short protein forms T409K.
Identifiers: ClinVar variation 478786 (VCV000478786.8), dbSNP rs368357970, ClinGen allele CA390707247.
Genomic context (GRCh38, chr14:77,552,173, plus strand): 5'-TGCCCCATGATGCACTTCATGGAGGTGATGATCTGCTCCACTACAGGAGGTGACAATGAC[G>T]TGGCATACACTGCACTATGAGAATGTGTTCGCAGGTAGTCTATCAGCTCCTGGGGAGTTC-3'
Protein context (NP_004854.1, residues 399-419): RTHSHSAVYA[Thr409Lys]SLSPPVVEQI

ClinVar aggregate classification (germline): Uncertain significance (1 of 4 stars; one submission).

Conditions:
Neuropathy, hereditary sensory and autonomic, type 1C. Also called: HSAN IC; HSN IC. Identifiers: Orphanet 36386, MedGen C3150896, MONDO:0013337, OMIM 613640.

Submission:

Labcorp Genetics (formerly Invitae), Labcorp
Classification: Uncertain significance for Neuropathy, hereditary sensory and autonomic, type 1C. Last evaluated: 2025-01-06. Review status: criteria provided, single submitter. Criteria: Invitae Variant Classification Sherloc (09022015). Collection method: clinical testing. Allele origin: germline.
Comment: This sequence change replaces threonine, which is neutral and polar, with lysine, which is basic and polar, at codon 409 of the SPTLC2 protein (p.Thr409Lys). This variant is not present in population databases (gnomAD no frequency). This variant has not been reported in the literature in individuals affected with SPTLC2-related conditions. ClinVar contains an entry for this variant (Variation ID: 478786). Invitae Evidence Modeling of protein sequence and biophysical properties (such as structural, functional, and spatial information, amino acid conservation, physicochemical variation, residue mobility, and thermodynamic stability) has been performed for this missense variant. However, the output from this modeling did not meet the statistical confidence thresholds required to predict the impact of this variant on SPTLC2 protein function. In summary, the available evidence is currently insufficient to determine the role of this variant in disease. Therefore, it has been classified as a Variant of Uncertain Significance.